The following is an entry in ClinVar:

NM_003738.5(PTCH2):c.632T>A (p.Ile211Asn)

Gene: PTCH2 (patched 2; minus strand). Cytogenetic location: 1p34.1.
Variant type: single nucleotide variant.
Coding change: c.632T>A on transcript NM_003738.5 (MANE Select); coding-DNA position 632, T replaced by A.
Protein change: p.Ile211Asn; replaces isoleucine 211 with asparagine.
Molecular consequence: missense variant.
Genome position (GRCh38, 1-based): chr1:44,831,029, A>T on the plus strand (T>A on the coding strand, the complement: PTCH2 is on the minus strand). VCF-style: chr1-44831029-A-T. GRCh37 (hg19) VCF-style: chr1-45296701-A-T.
Other names: c.632T>A, p.Ile211Asn (NM_001166292.2); short protein forms I211N.
Identifiers: ClinVar variation 1507213 (VCV001507213.8), dbSNP rs2148879284, ClinGen allele CA340107326.
Genomic context (GRCh38, chr1:44,831,029, plus strand): 5'-AGGGAGGCAAAGGGACCCAGCTCCTCCAGCAGCTGCTCTGGATCCAGGTTGGTCCACTGG[A>T]TATCCGGGCGGCCGCTGAGGGAAAAGCCTATAGTTGGTGAGGGTCAGGGACGAAAACCCA-3'
Protein context (NP_003729.3, residues 201-221): GSAYLPGRPD[Ile211Asn]QWTNLDPEQL

ClinVar aggregate classification (germline): Uncertain significance (1 of 4 stars; one submission).

Conditions:
Gorlin syndrome. Also called: Nevoid Basal Cell Carcinoma Syndrome; Basal cell nevus syndrome. Identifiers: Orphanet 377, MedGen C0004779, MONDO:0007187.

gnomAD v4.1: 1 of 1,611,324 alleles (0.000062%); highest among the groups gnomAD compares: South Asian, 0.0011%; no homozygotes.

Submission:

Labcorp Genetics (formerly Invitae), Labcorp
Classification: Uncertain significance for Gorlin syndrome. Last evaluated: 2021-03-29. Review status: criteria provided, single submitter. Criteria: Invitae Variant Classification Sherloc (09022015). Collection method: clinical testing. Allele origin: germline.
Comment: In summary, the available evidence is currently insufficient to determine the role of this variant in disease. Therefore, it has been classified as a Variant of Uncertain Significance. Algorithms developed to predict the effect of missense changes on protein structure and function are either unavailable or do not agree on the potential impact of this missense change (SIFT: "Deleterious"; PolyPhen-2: "Possibly Damaging"; Align-GVGD: "Class C0"). This variant has not been reported in the literature in individuals with PTCH2-related conditions. This variant is not present in population databases (ExAC no frequency). This sequence change replaces isoleucine with asparagine at codon 211 of the PTCH2 protein (p.Ile211Asn). The isoleucine residue is moderately conserved and there is a large physicochemical difference between isoleucine and asparagine.